The following is an entry in ClinVar:

ClinVar aggregate classification (germline): Uncertain significance (1 of 4 stars; one submission).

Allele frequency attached by ClinVar (database versions not stated): gnomAD exomes below 0.00001.
gnomAD v4.1: 1 of 1,612,460 alleles (0.000062%); highest among the groups gnomAD compares: Non-Finnish European, 0.000085%; no homozygotes.

Submission:

Labcorp Genetics (formerly Invitae), Labcorp
Classification: Uncertain significance. Last evaluated: 2022-03-09. Review status: criteria provided, single submitter. Criteria: Invitae Variant Classification Sherloc (09022015). Collection method: clinical testing. Allele origin: germline.
Comment: In summary, the available evidence is currently insufficient to determine the role of this variant in disease. Therefore, it has been classified as a Variant of Uncertain Significance. Algorithms developed to predict the effect of missense changes on protein structure and function are either unavailable or do not agree on the potential impact of this missense change (SIFT: "Deleterious"; PolyPhen-2: "Probably Damaging"; Align-GVGD: "Class C0"). This variant has not been reported in the literature in individuals affected with HMCN1-related conditions. This variant is present in population databases (no rsID available, gnomAD 0.0009%). This sequence change replaces lysine, which is basic and polar, with glutamic acid, which is acidic and polar, at codon 875 of the HMCN1 protein (p.Lys875Glu).

NM_031935.3(HMCN1):c.2623A>G (p.Lys875Glu)

Gene: HMCN1 (hemicentin 1; plus strand). Cytogenetic location: 1q31.1.
Variant type: single nucleotide variant.
Coding change: c.2623A>G on transcript NM_031935.3 (MANE Select); coding-DNA position 2623, A replaced by G.
Protein change: p.Lys875Glu; replaces lysine 875 with glutamic acid.
Molecular consequence: missense variant.
Genome position (GRCh38, 1-based): chr1:185,981,034, A>G. VCF-style: chr1-185981034-A-G. GRCh37 (hg19) VCF-style: chr1-185950166-A-G.
Other names: short protein forms K875E.
Identifiers: ClinVar variation 2041080 (VCV002041080.4), dbSNP rs1188359439, ClinGen allele CA343885960.
Genomic context (GRCh38, chr1:185,981,034, plus strand): 5'-TTAGACTTATGGGCAAGTGATAAAGGAACCTATATTTGTGAAGCTGAAAACCAGTTTGGA[A>G]AGATCCAGTCAGAGACAACAGTAACAGTGACCGGACTTGGTAAGATCAATTGAATGTCTA-3'
Protein context (NP_114141.2, residues 865-885): YICEAENQFG[Lys875Glu]IQSETTVTVT